The following is an entry in ClinVar:

NM_001909.5(CTSD):c.261G>A (p.Thr87=)

Gene: CTSD (cathepsin D; minus strand). Cytogenetic location: 11p15.5.
Variant type: single nucleotide variant.
Coding change: c.261G>A on transcript NM_001909.5 (MANE Select); coding-DNA position 261, G replaced by A.
Protein change: p.Thr87=; no amino-acid change (threonine 87 retained).
Molecular consequence: synonymous variant.
Genome position (GRCh38, 1-based): chr11:1,759,607, C>T on the plus strand (G>A on the coding strand, the complement: CTSD is on the minus strand). VCF-style: chr11-1759607-C-T. GRCh37 (hg19) VCF-style: chr11-1780837-C-T.
Other names: p.T87T:ACG>ACA.
Identifiers: ClinVar variation 137051 (VCV000137051.14), dbSNP rs372181453, ClinGen allele CA290542.

ClinVar aggregate classification (germline): Benign/Likely benign. Review status: criteria provided, multiple submitters, no conflicts (2 of 4 stars). 4 submissions from 4 submitters: Benign (1); Likely benign (3). Last evaluated 2026-01-21.

Conditions:
Inborn genetic diseases. Identifiers: MedGen C0950123, MeSH D030342.
Neuronal ceroid lipofuscinosis. Also called: Neuronal Ceroid Lipofuscinoses. Identifiers: Orphanet 216, Orphanet 79263, MedGen C0027877, MONDO:0016295. Disease mechanism: loss of function.

Allele frequency attached by ClinVar (database versions not stated): ExAC 0.00003; gnomAD 0.00007; ESP Exome Variant Server 0.00008; TOPMed 0.00009.
gnomAD v4.1: 49 of 1,613,234 alleles (0.003%); highest among the groups gnomAD compares: African/African-American, 0.024%; no homozygotes.

Submissions (4):

Labcorp Genetics (formerly Invitae), Labcorp
Classification: Likely benign for Neuronal ceroid lipofuscinosis. Last evaluated: 2026-01-21. Review status: criteria provided, single submitter. Criteria: Invitae Variant Classification Sherloc (09022015). Collection method: clinical testing. Allele origin: germline.

Blueprint Genetics
Classification: Likely benign. Last evaluated: 2022-07-05. Review status: criteria provided, single submitter. Criteria: ACMG Guidelines, 2015. Collection method: clinical testing. Allele origin: germline.

Ambry Genetics
Classification: Likely benign for Inborn genetic diseases. Last evaluated: 2018-01-18. Review status: criteria provided, single submitter. Criteria: Ambry Variant Classification Scheme 2023. Collection method: clinical testing. Allele origin: germline.

GeneDx
Classification: Benign. Last evaluated: 2013-11-25. Review status: criteria provided, single submitter. Criteria: GeneDx Variant Classification (06012015). Collection method: clinical testing. Allele origin: germline. Affected: yes.
Comment: This variant is considered likely benign or benign based on one or more of the following criteria: it is a conservative change, it occurs at a poorly conserved position in the protein, it is predicted to be benign by multiple in silico algorithms, and/or has population frequency not consistent with disease.